The following is an entry in ClinVar:

ClinVar aggregate classification (germline): Likely benign. Review status: criteria provided, single submitter (1 of 4 stars). 3 submissions from 3 submitters: Likely benign (1). 2 of the submissions do not count toward it. Last evaluated 2024-09-11.

Conditions:
EP300-related disorder. Also called: EP300-related condition; EP300-related disorders.
Rubinstein-Taybi syndrome due to EP300 haploinsufficiency. Also called: EP300-Related Rubinstein-Taybi Syndrome; RUBINSTEIN-TAYBI SYNDROME 2. Identifiers: Orphanet 353284, Orphanet 783, MedGen C3150941, MONDO:0013364, OMIM 613684.

Allele frequency attached by ClinVar (database versions not stated): gnomAD exomes below 0.00001; TOPMed 0.00002.
gnomAD v4.1: 3 of 1,612,010 alleles (0.00019%); highest among the groups gnomAD compares: Non-Finnish European, 0.00025%; no homozygotes.

Submissions (3):

Labcorp Genetics (formerly Invitae), Labcorp
Classification: Likely benign for Rubinstein-Taybi syndrome due to EP300 haploinsufficiency. Last evaluated: 2024-09-11. Review status: criteria provided, single submitter. Criteria: Invitae Variant Classification Sherloc (09022015). Collection method: clinical testing. Allele origin: germline.

Genetic Services Laboratory, University of Chicago
Classification: Uncertain significance. Last evaluated: 2022-09-13. Review status: no assertion criteria provided. Collection method: clinical testing. Allele origin: germline. Affected: no. Not counted in ClinVar's aggregate classification.
Comment: DNA sequence analysis of the EP300 gene demonstrated a sequence change in intron 22, c.3807-7C>T. This change does not appear to have been previously described in individuals with EP300-related disorders. This sequence change has been described in the gnomAD database in one individual which corresponds to a population frequency of 0.0004% (dbSNP rs1200883341). In-silico splice prediction programs provide inconclusive results for this sequence change. The functional significance of this sequence change is not known at present and its contribution to this individual's disease phenotype cannot definitively be determined.

PreventionGenetics, part of Exact Sciences
Classification: Likely benign for EP300-related condition. Last evaluated: 2022-04-12. Review status: no assertion criteria provided. Collection method: clinical testing. Allele origin: germline. Not counted in ClinVar's aggregate classification.
Comment: This variant is classified as likely benign based on ACMG/AMP sequence variant interpretation guidelines (Richards et al. 2015 PMID: 25741868, with internal and published modifications).

NM_001429.4(EP300):c.3807-7C>T

Gene: EP300 (EP300 lysine acetyltransferase; plus strand). Cytogenetic location: 22q13.2.
Variant type: single nucleotide variant.
Coding change: c.3807-7C>T on transcript NM_001429.4 (MANE Select); 7 bases into the intron before coding-DNA position 3807, C replaced by T.
Molecular consequence: intron variant.
Genome position (GRCh38, 1-based): chr22:41,166,592, C>T. VCF-style: chr22-41166592-C-T. GRCh37 (hg19) VCF-style: chr22-41562596-C-T.
Other names: c.3729-7C>T (NM_001362843.2).
Identifiers: ClinVar variation 2443123 (VCV002443123.6), dbSNP rs1200883341, ClinGen allele CA639445417.